The following is an entry in ClinVar:

NM_002880.4(RAF1):c.1418-241G>A

Gene: RAF1 (Raf-1 proto-oncogene, serine/threonine kinase; minus strand). Cytogenetic location: 3p25.2.
Variant type: single nucleotide variant.
Coding change: c.1418-241G>A on transcript NM_002880.4 (MANE Select); 241 bases into the intron before coding-DNA position 1418, G replaced by A.
Molecular consequence: intron variant.
Genome position (GRCh38, 1-based): chr3:12,586,040, C>T on the plus strand (G>A on the coding strand, the complement: RAF1 is on the minus strand). VCF-style: chr3-12586040-C-T. GRCh37 (hg19) VCF-style: chr3-12627539-C-T.
Other names: c.1076-241G>A (NM_001354695.3); c.1175-241G>A (NM_001354692.3, NM_001354691.3); c.1235-241G>A (NM_001354694.3); c.1319-241G>A (NM_001354693.3); c.1478-241G>A (NM_001354689.3); c.1418-241G>A (NM_001354690.3).
Identifiers: ClinVar variation 561633 (VCV000561633.1), dbSNP rs113102168, ClinGen allele CA69604296.

ClinVar aggregate classification (germline): Likely benign (1 of 4 stars; one submission).

Allele frequency attached by ClinVar (database versions not stated): gnomAD exomes 0.00121; gnomAD 0.01057 and 0.01138; TOPMed 0.01204; 1000 Genomes Project 0.01218; 1000 Genomes Project 30x 0.01343.
gnomAD v4.1: 2,024 of 491,838 alleles (0.41%); highest among the groups gnomAD compares: African/African-American, 3.6%; 26 homozygotes.

Submission:

GeneDx
Classification: Likely benign. Last evaluated: 2018-06-14. Review status: criteria provided, single submitter. Criteria: GeneDx Variant Classification (06012015). Collection method: clinical testing. Allele origin: germline. Affected: yes.
Comment: This variant is considered likely benign or benign based on one or more of the following criteria: it is a conservative change, it occurs at a poorly conserved position in the protein, it is predicted to be benign by multiple in silico algorithms, and/or has population frequency not consistent with disease.